The following is an entry in ClinVar:

NM_001458.5(FLNC):c.2596G>A (p.Asp866Asn)

Gene: FLNC (filamin C; plus strand). Cytogenetic location: 7q32.1.
Variant type: single nucleotide variant.
Coding change: c.2596G>A on transcript NM_001458.5 (MANE Select); coding-DNA position 2596, G replaced by A.
Protein change: p.Asp866Asn; replaces aspartic acid 866 with asparagine.
Molecular consequence: missense variant.
Genome position (GRCh38, 1-based): chr7:128,843,274, G>A. VCF-style: chr7-128843274-G-A. GRCh37 (hg19) VCF-style: chr7-128483328-G-A.
Other names: c.2596G>A, p.Asp866Asn (NM_001127487.2); c.2596G>A (NM_001127487.1); short protein forms D866N.
Identifiers: ClinVar variation 1000146 (VCV001000146.12), dbSNP rs201006462, ClinGen allele CA4474788.

ClinVar aggregate classification (germline): Conflicting classifications of pathogenicity. Review status: criteria provided, conflicting classifications (1 of 4 stars). 4 submissions from 4 submitters: Uncertain significance (3); Likely benign (1). Last evaluated 2026-02-03.

Conditions:
Cardiovascular phenotype. Identifiers: MedGen CN230736.
Myofibrillar myopathy 5. Also called: Filaminopathy (type); FILAMINOPATHY, AUTOSOMAL DOMINANT. Identifiers: Orphanet 171445, MedGen C1836050, MONDO:0012289, OMIM 609524.
Distal myopathy with posterior leg and anterior hand involvement. Also called: WILLIAMS DISTAL MYOPATHY. Identifiers: Orphanet 63273, MedGen C3279722, MONDO:0013550, OMIM 614065.
Hypertrophic cardiomyopathy 26. Also called: Cardiomyopathy, familial hypertrophic, 26. Identifiers: Orphanet 75249, MedGen C4310749, MONDO:0014883, OMIM 617047.

Allele frequency attached by ClinVar (database versions not stated): gnomAD exomes 0.00001 and 0.00002; ExAC 0.00004; gnomAD 0.00005 and 0.00006; TOPMed 0.00010; ESP Exome Variant Server 0.00024.
gnomAD v4.1: 27 of 1,611,336 alleles (0.0017%); highest among the groups gnomAD compares: African/African-American, 0.011%; no homozygotes.

Submissions (4):

Labcorp Genetics (formerly Invitae), Labcorp
Classification: Likely benign for Distal myopathy with posterior leg and anterior hand involvement; Myofibrillar myopathy 5; Hypertrophic cardiomyopathy 26. Last evaluated: 2026-02-03. Review status: criteria provided, single submitter. Criteria: Invitae Variant Classification Sherloc (09022015). Collection method: clinical testing. Allele origin: germline.

GeneDx
Classification: Uncertain significance. Last evaluated: 2023-08-16. Review status: criteria provided, single submitter. Criteria: GeneDx Variant Classification Process June 2021. Collection method: clinical testing. Allele origin: germline. Affected: yes.
Comment: Has not been previously published as pathogenic or benign to our knowledge; In silico analysis supports that this missense variant has a deleterious effect on protein structure/function

Clinical Genetics Laboratory, Skane University Hospital Lund
Classification: Uncertain significance. Last evaluated: 2022-05-27. Review status: criteria provided, single submitter. Criteria: ACMG Guidelines, 2015. Collection method: clinical testing. Allele origin: germline. Affected: yes.

Ambry Genetics
Classification: Uncertain significance for Cardiovascular phenotype. Last evaluated: 2022-03-18. Review status: criteria provided, single submitter. Criteria: Ambry Variant Classification Scheme 2023. Collection method: clinical testing. Allele origin: germline.
Comment: The p.D866N variant (also known as c.2596G>A), located in coding exon 17 of the FLNC gene, results from a G to A substitution at nucleotide position 2596. The aspartic acid at codon 866 is replaced by asparagine, an amino acid with highly similar properties. This amino acid position is highly conserved in available vertebrate species. In addition, the in silico prediction for this alteration is inconclusive. Since supporting evidence is limited at this time, the clinical significance of this alteration remains unclear.